The following is an entry in ClinVar:

NM_004656.4(BAP1):c.1178del (p.Gln393fs)

Gene: BAP1 (BRCA1 associated deubiquitinase 1; minus strand). Cytogenetic location: 3p21.1.
Variant type: Deletion.
Coding change: c.1178del on transcript NM_004656.4 (MANE Select); coding-DNA position 1178, one base deleted (A; older notation c.1178delA).
Protein change: p.Gln393fs; shifts the reading frame from glutamine 393.
Molecular consequence: frameshift variant.
Genome position (GRCh38, 1-based): chr3:52,404,525, T deleted on the plus strand (A on the coding strand, the reverse complement: BAP1 is on the minus strand). VCF-style (leftmost placement, unchanged base first): chr3-52404524-CT-C. GRCh37 (hg19) VCF-style: chr3-52438540-CT-C.
Other names: c.1124del, p.Gln375fs (NM_001410772.1); c.1178delA (NM_004656.3); short protein forms Q375fs, Q393fs.
Identifiers: ClinVar variation 3778335 (VCV003778335.8).

ClinVar aggregate classification (germline): Pathogenic. Review status: criteria provided, multiple submitters, no conflicts (2 of 4 stars). 2 submissions from 2 submitters: Pathogenic (2). Last evaluated 2025-05-01.

Conditions:
BAP1-related tumor predisposition syndrome (TPDS1). Also called: Tumor susceptibility linked to germline BAP1 mutations; COMMON Syndrome; TUMOR PREDISPOSITION SYNDROME 1; BAP1 tumor predisposition syndrome. Identifiers: Orphanet 289539, MedGen C3280492, MONDO:0013692, OMIM 614327.

Submissions (2):

CeGaT Center for Human Genetics Tuebingen
Classification: Pathogenic. Last evaluated: 2025-05-01. Review status: criteria provided, single submitter. Criteria: CeGaT Center For Human Genetics Tuebingen Variant Classification Criteria Version 2. Collection method: clinical testing. Allele origin: germline. Affected: yes. Observed: 2 variant alleles.
Comment: BAP1: PVS1, PM2

Molecular Pathology, Peter Maccallum Cancer Centre
Classification: Pathogenic for BAP1-related tumor predisposition syndrome. Last evaluated: 2024-07-18. Review status: criteria provided, single submitter. Criteria: ACMG Guidelines, 2015. Collection method: clinical testing. Allele origin: germline. Inheritance: Autosomal dominant inheritance.